The following is an entry in ClinVar:

ClinVar aggregate classification (germline): Uncertain significance (1 of 4 stars; one submission).

Conditions:
Developmental and epileptic encephalopathy 94 (DEE94). Also called: Epileptic encephalopathy, childhood-onset; CHD2-Related Neurodevelopmental Disorders. Identifiers: Orphanet 1942, Orphanet 2382, MedGen C3809278, MONDO:0014150, OMIM 615369.

Submission:

Institute of Human Genetics, University of Goettingen
Classification: Uncertain significance for Developmental and epileptic encephalopathy 94. Last evaluated: 2024-12-04. Review status: criteria provided, single submitter. Criteria: ACMG Guidelines, 2015. Collection method: clinical testing. Allele origin: de novo. Inheritance: Autosomal dominant inheritance. Affected: yes. Observed: 1 heterozygote.
Comment: The variant c.3215G>A (p.(Arg1072Gln)) in exon 25 of the CHD2 gene is not found in the gnomAD database. It affects a highly conserved nucleotide, and a highly conserved amino acid, but there is only a small physicochemical difference between Arg and Gln. ACMG criteria used for classification: PS2, PM2_sup

NM_001271.4(CHD2):c.3215G>A (p.Arg1072Gln)

Gene: CHD2 (chromodomain helicase DNA binding protein 2; plus strand). Cytogenetic location: 15q26.1.
Variant type: single nucleotide variant.
Coding change: c.3215G>A on transcript NM_001271.4 (MANE Select); coding-DNA position 3215, G replaced by A.
Protein change: p.Arg1072Gln; replaces arginine 1072 with glutamine.
Molecular consequence: missense variant.
Genome position (GRCh38, 1-based): chr15:92,984,478, G>A. VCF-style: chr15-92984478-G-A. GRCh37 (hg19) VCF-style: chr15-93527708-G-A.
Other names: short protein forms R1072Q.
Identifiers: ClinVar variation 3602630 (VCV003602630.2).